The following is an entry in ClinVar:

ClinVar aggregate classification (germline): Likely pathogenic (1 of 4 stars; one submission).

Conditions:
Bardet-Biedl syndrome 2 (BBS2). Identifiers: Orphanet 110, MedGen C2936863, MONDO:0014432, OMIM 615981.

Submission:

Myriad Genetics, Inc.
Classification: Likely pathogenic for Bardet-Biedl syndrome 2. Last evaluated: 2022-04-04. Review status: criteria provided, single submitter. Criteria: Myriad Women's Health Autosomal Recessive and X-Linked Classification Criteria (2021). Collection method: clinical testing. Allele origin: unknown.
Comment: NM_031885.3(BBS2):c.619_620delAC(T207Lfs*23) is expected to be pathogenic in the context of Bardet-Biedl syndrome, BBS2-related. This variant is predicted to lead to an abnormal or absent protein product due to the creation of a premature termination codon in BBS2, a gene where loss-of-function variants are known to be pathogenic. Please note: this variant was assessed in the context of healthy population screening.

NM_031885.5(BBS2):c.619_620del (p.Thr207fs)

Gene: BBS2 (Bardet-Biedl syndrome 2; minus strand). Cytogenetic location: 16q13.
Variant type: Deletion.
Coding change: c.619_620del on transcript NM_031885.5 (MANE Select); coding-DNA positions 619 to 620, 2 bases deleted (AC; older notation c.619_620delAC).
Protein change: p.Thr207fs; shifts the reading frame from threonine 207.
Molecular consequence: frameshift variant. On other transcripts: non-coding transcript variant (5).
Genome position (GRCh38, 1-based): chr16:56,506,217-56,506,218, GT deleted on the plus strand (AC on the coding strand, the reverse complement: BBS2 is on the minus strand); deleting any 2 consecutive bases within chr16:56,506,217-56,506,219 gives the same sequence; the c. name uses the placement nearest the transcript's 3' end. VCF-style (leftmost placement, unchanged base first): chr16-56506216-GGT-G. GRCh37 (hg19) VCF-style: chr16-56540128-GGT-G.
Other names: c.619_620del, p.Thr207fs (NM_001377456.1); short protein forms T207fs.
Identifiers: ClinVar variation 1725856 (VCV001725856.2), dbSNP rs2543721525, ClinGen allele CA2580091774.